The following is an entry in ClinVar:

ClinVar aggregate classification (germline): Uncertain significance (1 of 4 stars; one submission).

Conditions:
Mucopolysaccharidosis type 7 (MPS7). Also called: SLY SYNDROME; MPS VII; BETA-GLUCURONIDASE DEFICIENCY; GUSB DEFICIENCY. Identifiers: Orphanet 584, MedGen C0085132, MONDO:0009662, OMIM 253220.

Allele frequency attached by ClinVar (database versions not stated): gnomAD exomes below 0.00001.
gnomAD v4.1: 2 of 1,612,672 alleles (0.00012%); highest among the groups gnomAD compares: East Asian, 0.0022%; no homozygotes.

Submission:

Labcorp Genetics (formerly Invitae), Labcorp
Classification: Uncertain significance for Mucopolysaccharidosis type 7. Last evaluated: 2022-10-17. Review status: criteria provided, single submitter. Criteria: Invitae Variant Classification Sherloc (09022015). Collection method: clinical testing. Allele origin: germline.
Comment: This variant has not been reported in the literature in individuals affected with GUSB-related conditions. In summary, the available evidence is currently insufficient to determine the role of this variant in disease. Therefore, it has been classified as a Variant of Uncertain Significance. Advanced modeling of protein sequence and biophysical properties (such as structural, functional, and spatial information, amino acid conservation, physicochemical variation, residue mobility, and thermodynamic stability) performed at Invitae indicates that this missense variant is expected to disrupt GUSB protein function. This variant is not present in population databases (gnomAD no frequency). This sequence change replaces threonine, which is neutral and polar, with isoleucine, which is neutral and non-polar, at codon 610 of the GUSB protein (p.Thr610Ile).

NM_000181.4(GUSB):c.1829C>T (p.Thr610Ile)

Gene: GUSB (glucuronidase beta; minus strand). Cytogenetic location: 7q11.21.
Variant type: single nucleotide variant.
Coding change: c.1829C>T on transcript NM_000181.4 (MANE Select); coding-DNA position 1829, C replaced by T.
Protein change: p.Thr610Ile; replaces threonine 610 with isoleucine.
Molecular consequence: missense variant. On other transcripts: non-coding transcript variant (1).
Genome position (GRCh38, 1-based): chr7:65,961,024, G>A on the plus strand (C>T on the coding strand, the complement: GUSB is on the minus strand). VCF-style: chr7-65961024-G-A. GRCh37 (hg19) VCF-style: chr7-65426011-G-A.
Other names: c.1391C>T, p.Thr464Ile (NM_001284290.2); c.1259C>T, p.Thr420Ile (NM_001293104.2); c.1172C>T, p.Thr391Ile (NM_001293105.2); short protein forms T610I, T464I, T391I, T420I.
Identifiers: ClinVar variation 2071051 (VCV002071051.4), dbSNP rs2484734152, ClinGen allele CA367637488.